The following is an entry in ClinVar:

NM_006766.5(KAT6A):c.3385C>T (p.Arg1129Ter)

Gene: KAT6A (lysine acetyltransferase 6A; minus strand). Cytogenetic location: 8p11.21.
Variant type: single nucleotide variant.
Coding change: c.3385C>T on transcript NM_006766.5 (MANE Select); coding-DNA position 3385, C replaced by T.
Protein change: p.Arg1129Ter; replaces arginine 1129 with a stop codon.
Molecular consequence: nonsense.
Genome position (GRCh38, 1-based): chr8:41,934,835, G>A on the plus strand (C>T on the coding strand, the complement: KAT6A is on the minus strand). VCF-style: chr8-41934835-G-A. GRCh37 (hg19) VCF-style: chr8-41792353-G-A.
Other names: NM_001099412.1:c.3385C>T; short protein forms R1129*.
Identifiers: ClinVar variation 180229 (VCV000180229.66), dbSNP rs786200960, ClinGen allele CA004190.

ClinVar aggregate classification (germline): Pathogenic. Review status: criteria provided, multiple submitters, no conflicts (2 of 4 stars). 18 submissions from 18 submitters: Pathogenic (12). 6 of the submissions do not count toward it. Last evaluated 2024-09-30.

Conditions:
KAT6A-related disorder. Also called: KAT6A-related condition.
Inborn genetic diseases. Identifiers: MedGen C0950123, MeSH D030342.
Autosomal dominant intellectual disability-craniofacial anomalies-cardiac defects syndrome (ARTHS). Also called: KAT6A syndrome; Mental retardation, autosomal dominant 32; Arboleda-Tham syndrome. Identifiers: Orphanet 457193, MedGen C4225396, MONDO:0014558, OMIM 616268.

Submissions (18):

Revvity Omics, Revvity
Classification: Pathogenic for Autosomal dominant intellectual disability-craniofacial anomalies-cardiac defects syndrome. Last evaluated: 2024-09-30. Review status: criteria provided, single submitter. Criteria: ACMG Guidelines, 2015. Collection method: clinical testing. Allele origin: germline.

Labcorp Genetics (formerly Invitae), Labcorp
Classification: Pathogenic. Last evaluated: 2024-02-24. Review status: criteria provided, single submitter. Criteria: Invitae Variant Classification Sherloc (09022015). Collection method: clinical testing. Allele origin: germline.
Comment: This sequence change creates a premature translational stop signal (p.Arg1129*) in the KAT6A gene. While this is not anticipated to result in nonsense mediated decay, it is expected to disrupt the last 876 amino acid(s) of the KAT6A protein. This variant is not present in population databases (gnomAD no frequency). This premature translational stop signal has been observed in individual(s) with KAT6A-related conditions (PMID: 25728775, 32041641). In at least one individual the variant was observed to be de novo. ClinVar contains an entry for this variant (Variation ID: 180229). For these reasons, this variant has been classified as Pathogenic.

Daryl Scott Lab, Baylor College of Medicine
Classification: Pathogenic for Autosomal dominant intellectual disability-craniofacial anomalies-cardiac defects syndrome. Last evaluated: 2023-11-10. Review status: criteria provided, single submitter. Criteria: ACMG Guidelines, 2015. Collection method: clinical testing. Allele origin: de novo. Affected: yes.

3billion
Classification: Pathogenic for Autosomal dominant intellectual disability-craniofacial anomalies-cardiac defects syndrome. Last evaluated: 2023-09-25. Review status: criteria provided, single submitter. Criteria: ACMG Guidelines, 2015. Collection method: clinical testing. Allele origin: germline. Affected: yes.
Comment: The variant is not observed in the gnomAD v2.1.1 dataset. Predicted Consequence/Location: Stop-gained (nonsense): predicted to result in a loss or disruption of normal protein function through protein truncation. The predicted truncated protein may be shortened by more than 10%. The variant has been reported at least twice as pathogenic with clinical assertions and evidence for the classification (ClinVar ID: VCV000180229 /PMID: 25728775 /3billion dataset). Therefore, this variant is classified as Pathogenic according to the recommendation of ACMG/AMP guideline.

Victorian Clinical Genetics Services, Murdoch Childrens Research Institute
Classification: Pathogenic for Autosomal dominant intellectual disability-craniofacial anomalies-cardiac defects syndrome. Last evaluated: 2023-07-17. Review status: criteria provided, single submitter. Criteria: ACMG Guidelines, 2015. Collection method: clinical testing. Allele origin: germline. Inheritance: Autosomal dominant inheritance. Affected: yes.
Comment: Based on the classification scheme VCGS_Germline_v1.3.4, this variant is classified as Pathogenic. Following criteria are met: 0102 - Loss of function is a known mechanism of disease in this gene and is associated with Arboleda-Tham syndrome (MIM# 616268). (I) 0107 - This gene is associated with autosomal dominant disease. (I) 0204 - Variant is predicted to result in a truncated protein [(premature termination codon is NOT located at least 54 nucleotides upstream of the final exon-exon junction) with at least 1/3 of the protein sequence affected. (SP) 0251 - This variant is heterozygous. (I) 0301 - Variant is absent from gnomAD (both v2 and v3). (SP) 0601 - Variant affects the well-established functional transactivation domain, which is essential for normal protein function (PMID: 25728777). (SP) 0701 - Other downstream protein truncating variants comparable to the one identified in this case have very strong previous evidence for pathogenicity (DECIPHER). (SP) 0801 - This variant has strong previous evidence of pathogenicity in unrelated individuals. It has been reported in multiple affected individuals, including de novo events, and is consistently classified as pathogenic by diagnostic laboratories in ClinVar (PMID: 25728775, 30245513). (SP) Legend: (SP) - Supporting pathogenic, (I) - Information, (SB) - Supporting benign

DECIPHERD-UDD, Universidad del Desarrollo
Classification: Pathogenic for Autosomal dominant intellectual disability-craniofacial anomalies-cardiac defects syndrome. Last evaluated: 2023-07-01. Review status: criteria provided, single submitter. Criteria: ACMG Guidelines, 2015. Collection method: research. Allele origin: de novo. Affected: yes.

Duke University Health System Sequencing Clinic, Duke University Health System
Classification: Pathogenic for Autosomal dominant intellectual disability-craniofacial anomalies-cardiac defects syndrome. Last evaluated: 2023-04-20. Review status: criteria provided, single submitter. Criteria: ACMG Guidelines, 2015. Collection method: research. Allele origin: de novo. Affected: yes.

Institute for Clinical Genetics, University Hospital TU Dresden, University Hospital TU Dresden
Classification: Pathogenic. Last evaluated: 2022-04-06. Review status: criteria provided, single submitter. Criteria: ACMG Guidelines, 2015. Collection method: clinical testing. Allele origin: germline.
Comment: PVS1, PM2_SUP, PS3

Blueprint Genetics
Classification: Pathogenic for KAT6A-related disorders. Last evaluated: 2019-05-04. Review status: criteria provided, single submitter. Criteria: ACMG Guidelines, 2015. Collection method: clinical testing. Allele origin: germline. Affected: yes. Observed: 1 variant allele.

CeGaT Center for Human Genetics Tuebingen
Classification: Pathogenic. Last evaluated: 2019-01-01. Review status: criteria provided, single submitter. Criteria: CeGaT Center For Human Genetics Tuebingen Variant Classification Criteria Version 2. Collection method: clinical testing. Allele origin: germline. Affected: yes. Observed: 3 variant alleles.

Ambry Genetics
Classification: Pathogenic for Inborn genetic diseases. Last evaluated: 2016-06-28. Review status: criteria provided, single submitter. Criteria: Ambry exome assertion method (8-5-2015). Collection method: clinical testing. Allele origin: germline. Affected: yes. Observed: 1 variant allele.

Laboratoire de Génétique Moléculaire, CHU Bordeaux
Classification: Pathogenic. Review status: criteria provided, single submitter. Criteria: ACMG Guidelines, 2015. Collection method: clinical testing. Allele origin: germline. Affected: yes.

Department of Rehabilitation, Anhui Provincial Children's Hospital
Classification: Pathogenic for Autosomal dominant intellectual disability-craniofacial anomalies-cardiac defects syndrome. Last evaluated: 2022-11-29. Review status: no assertion criteria provided. Collection method: clinical testing. Allele origin: unknown. Affected: yes. Not counted in ClinVar's aggregate classification.
Comment: The c.3385C>T variant in the KAT6A gene is a nonsense mutation that may result in premature termination of the polypeptide chain, thereby affecting gene function. It occurs more frequently in affected individuals than in control populations and has been detected in several unrelated patients with Arboleda-Tham syndrome.

Centre de Biologie Pathologie Génétique, Centre Hospitalier Universitaire de Lille
Classification: Pathogenic for KAT6A syndrome. Last evaluated: 2019-01-01. Review status: no assertion criteria provided. Collection method: clinical testing. Allele origin: de novo. Affected: yes. Not counted in ClinVar's aggregate classification.

OMIM
Classification: Pathogenic for ARBOLEDA-THAM SYNDROME. Last evaluated: 2015-03-05. Review status: no assertion criteria provided. Collection method: literature only. Allele origin: germline. Not counted in ClinVar's aggregate classification.

UCLA Clinical Genomics Center, UCLA
Classification: Pathogenic for KAT6A syndrome. Last evaluated: 2015-01-15. Review status: no assertion criteria provided. Collection method: clinical testing. Allele origin: de novo. Affected: yes. Observed: 3 variant alleles. Clinical features observed: developmental delay, microcephaly. Not counted in ClinVar's aggregate classification.
Comment: Clinical Exome

Clinical Genetics DNA and cytogenetics Diagnostics Lab, Erasmus MC, Erasmus Medical Center
Classification: Pathogenic. Review status: no assertion criteria provided. Collection method: clinical testing. Allele origin: germline. Affected: yes. Study: VKGL Data-share Consensus. Not counted in ClinVar's aggregate classification.

Joint Genome Diagnostic Labs from Nijmegen and Maastricht, Radboudumc and MUMC+
Classification: Pathogenic. Review status: no assertion criteria provided. Collection method: clinical testing. Allele origin: germline. Affected: yes. Study: VKGL Data-share Consensus. Not counted in ClinVar's aggregate classification.

Literature cited by the submitters: PubMed 25728775 (cited by 5 submitters); PubMed 32041641 (cited by Labcorp Genetics (formerly Invitae), Labcorp); PubMed 25728777 (cited by Victorian Clinical Genetics Services, Murdoch Childrens Research Institute); PubMed 30245513 (cited by Victorian Clinical Genetics Services, Murdoch Childrens Research Institute); PubMed 38177409 (cited by DECIPHERD-UDD, Universidad del Desarrollo); PubMed 17374998 (cited by Ambry Genetics).